The following is an entry in ClinVar:

ClinVar aggregate classification (germline): Likely pathogenic (1 of 4 stars; one submission).

Conditions:
Hereditary cancer-predisposing syndrome. Also called: Neoplastic Syndromes, Hereditary; Tumor predisposition; Hereditary Cancer Syndrome; Hereditary neoplastic syndrome. Identifiers: Orphanet 140162, MedGen C0027672, MeSH D009386, MONDO:0015356.

Submission:

Ambry Genetics
Classification: Likely pathogenic for Hereditary cancer-predisposing syndrome. Last evaluated: 2025-12-24. Review status: criteria provided, single submitter. Criteria: Ambry Variant Classification Scheme 2023. Collection method: clinical testing. Allele origin: germline.
Comment: The p.E355Q variant (also known as c.1063G>C), located in coding exon 7 of the FH gene, results from a G to C substitution at nucleotide position 1063. The glutamic acid at codon 355 is replaced by glutamine, an amino acid with highly similar properties. This variant was reported in individual(s) with features consistent with FH-related tumor predisposition (Ambry internal data). This amino acid position is highly conserved in available vertebrate species. In addition, this alteration is predicted to be deleterious by in silico analysis. Based on the majority of available evidence to date, this variant is likely to be pathogenic.

NM_000143.4(FH):c.1063G>C (p.Glu355Gln)

Gene: FH (fumarate hydratase; minus strand). Cytogenetic location: 1q43.
Variant type: single nucleotide variant.
Coding change: c.1063G>C on transcript NM_000143.4 (MANE Select); coding-DNA position 1063, G replaced by C.
Protein change: p.Glu355Gln; replaces glutamic acid 355 with glutamine.
Molecular consequence: missense variant.
Genome position (GRCh38, 1-based): chr1:241,504,087, C>G on the plus strand (G>C on the coding strand, the complement: FH is on the minus strand). VCF-style: chr1-241504087-C-G. GRCh37 (hg19) VCF-style: chr1-241667387-C-G.
Other names: short protein forms E355Q.
Identifiers: ClinVar variation 4843542 (VCV004843542.1).
Genomic context (GRCh38, chr1:241,504,087, plus strand): 5'-TAGCTATGTGATTACCTGGCATGATACTGCTTCCTGGTTCATTTTCAGGCAAGATCAATT[C>G]TCCCAGACCTGACCGAGGACCAGAACCCAAAAATCGAATATCATTTGCTATCTTCATCAG-3'
Protein context (NP_000134.2, residues 345-365): LGSGPRSGLG[Glu355Gln]LILPENEPGS